The following is an entry in ClinVar:

ClinVar aggregate classification (germline): Uncertain significance. Review status: criteria provided, multiple submitters, no conflicts (2 of 4 stars). 2 submissions from 2 submitters: Uncertain significance (2). Last evaluated 2023-11-07.

Conditions:
Familial thoracic aortic aneurysm and aortic dissection (TAAD). Also called: Thoracic aortic aneurysms and dissections. Identifiers: Orphanet 91387, MedGen C4707243, MONDO:0019625.

Submissions (2):

Labcorp Genetics (formerly Invitae), Labcorp
Classification: Uncertain significance for Familial thoracic aortic aneurysm and aortic dissection. Last evaluated: 2023-11-07. Review status: criteria provided, single submitter. Criteria: Invitae Variant Classification Sherloc (09022015). Collection method: clinical testing. Allele origin: germline.
Comment: This sequence change replaces glutamic acid, which is acidic and polar, with lysine, which is basic and polar, at codon 50 of the SMAD3 protein (p.Glu50Lys). This variant is not present in population databases (gnomAD no frequency). This missense change has been observed in individual(s) with clinical features of Loeys-Dietz syndrome (Invitae). ClinVar contains an entry for this variant (Variation ID: 213780). Advanced modeling of protein sequence and biophysical properties (such as structural, functional, and spatial information, amino acid conservation, physicochemical variation, residue mobility, and thermodynamic stability) performed at Invitae indicates that this missense variant is expected to disrupt SMAD3 protein function with a positive predictive value of 80%. In summary, the available evidence is currently insufficient to determine the role of this variant in disease. Therefore, it has been classified as a Variant of Uncertain Significance.

GeneDx
Classification: Uncertain significance. Last evaluated: 2015-05-07. Review status: criteria provided, single submitter. Criteria: GeneDx Variant Classification (06012015). Collection method: clinical testing. Allele origin: germline. Affected: yes.
Comment: p.Glu50Lys (E50K) GAG>AAG: c.148 G>A in exon 1 of the SMAD3 gene (NM_005902.3). A variant of unknown significance has been identified in the SMAD3 gene. The E50K variant has not been published as a mutation nor reported as a benign polymorphism to our knowledge. The E50K variant was not observed in approximately 6,500 individuals of European and African American ancestry in the NHLBI Exome Sequencing Project, indicating it is not a common benign variant in these populations. In addition, the E50K variant is a non-conservative amino acid substitution, which is likely to impact secondary protein structure as these residues differ in polarity, charge, size and/or other properties, and occurs at a position that is conserved across species. Consequently, in silico analysis predicts this variant is probably damaging to the protein structure/function. However, no missense mutations in nearby residues have been reported in association with TAAD, indicating this region of the protein may be tolerant of change. Therefore, based on the currently available information, it is unclear whether this variant is a pathogenic mutation or a rare benign variant. This variant was found in TAADV2-PANCARD

NM_005902.4(SMAD3):c.148G>A (p.Glu50Lys)

Gene: SMAD3 (SMAD family member 3; plus strand). Cytogenetic location: 15q22.33.
Variant type: single nucleotide variant.
Coding change: c.148G>A on transcript NM_005902.4 (MANE Select); coding-DNA position 148, G replaced by A.
Protein change: p.Glu50Lys; replaces glutamic acid 50 with lysine.
Molecular consequence: missense variant.
Genome position (GRCh38, 1-based): chr15:67,066,302, G>A. VCF-style: chr15-67066302-G-A. GRCh37 (hg19) VCF-style: chr15-67358640-G-A.
Other names: p.E50K:GAG>AAG; short protein forms E50K.
Identifiers: ClinVar variation 213780 (VCV000213780.5), dbSNP rs863223751, ClinGen allele CA324787.